The following is an entry in ClinVar:

NM_014283.5(SUCO):c.2881C>G (p.Leu961Val)

Gene: SUCO (SUN domain containing ossification factor; plus strand). Cytogenetic location: 1q24.3.
Variant type: single nucleotide variant.
Coding change: c.2881C>G on transcript NM_014283.5 (MANE Select); coding-DNA position 2881, C replaced by G.
Protein change: p.Leu961Val; replaces leucine 961 with valine.
Molecular consequence: missense variant.
Genome position (GRCh38, 1-based): chr1:172,591,039, C>G. VCF-style: chr1-172591039-C-G. GRCh37 (hg19) VCF-style: chr1-172560179-C-G.
Other names: c.1768C>G, p.Leu590Val (NM_001282750.2); c.1192C>G, p.Leu398Val (NM_001282751.2); c.3334C>G, p.Leu1112Val (NM_016227.4); c.2881C>G (NM_014283.3); short protein forms L590V, L1112V, L398V, L961V.
Identifiers: ClinVar variation 3642648 (VCV003642648.3).
Genomic context (GRCh38, chr1:172,591,039, plus strand): 5'-CATAGGTACCGAAAACAAATGGAAGAAATGCAAAAGGCTTTCAATAAAACAATCGTGAAA[C>G]TTCAGAATACTTCAAGAATAGCAGAGGAGCAGGTTGGTTTCTACATCCCTTATTTACTTT-3'
Protein context (NP_055098.1, residues 951-971): QKAFNKTIVK[Leu961Val]QNTSRIAEEQ

ClinVar aggregate classification (germline): Uncertain significance. Review status: criteria provided, multiple submitters, no conflicts (2 of 4 stars). 2 submissions from 2 submitters: Uncertain significance (2). Last evaluated 2025-04-12.

Submissions (2):

Ambry Genetics
Classification: Uncertain significance. Last evaluated: 2025-04-12. Review status: criteria provided, single submitter. Criteria: Ambry Variant Classification Scheme 2023. Collection method: clinical testing. Allele origin: germline.

Labcorp Genetics (formerly Invitae), Labcorp
Classification: Uncertain significance. Last evaluated: 2024-02-29. Review status: criteria provided, single submitter. Criteria: Invitae Variant Classification Sherloc (09022015). Collection method: clinical testing. Allele origin: germline.
Comment: This sequence change replaces leucine, which is neutral and non-polar, with valine, which is neutral and non-polar, at codon 961 of the SUCO protein (p.Leu961Val). This variant is not present in population databases (gnomAD no frequency). This variant has not been reported in the literature in individuals affected with SUCO-related conditions. An algorithm developed to predict the effect of missense changes on protein structure and function (PolyPhen-2) suggests that this variant is likely to be disruptive. In summary, the available evidence is currently insufficient to determine the role of this variant in disease. Therefore, it has been classified as a Variant of Uncertain Significance.